The following is an entry in ClinVar:

NM_000179.3(MSH6):c.913A>C (p.Thr305Pro)

Gene: MSH6 (mutS homolog 6; plus strand). Cytogenetic location: 2p16.3.
Variant type: single nucleotide variant.
Coding change: c.913A>C on transcript NM_000179.3 (MANE Select); coding-DNA position 913, A replaced by C.
Protein change: p.Thr305Pro; replaces threonine 305 with proline.
Molecular consequence: missense variant.
Genome position (GRCh38, 1-based): chr2:47,798,896, A>C. VCF-style: chr2-47798896-A-C. GRCh37 (hg19) VCF-style: chr2-48026035-A-C.
Other names: c.523A>C, p.Thr175Pro (NM_001281492.2); c.7A>C, p.Thr3Pro (NM_001281493.2, NM_001281494.2); short protein forms T3P, T305P, T175P.
Identifiers: ClinVar variation 918559 (VCV000918559.7), dbSNP rs1572720858, ClinGen allele CA346740723.

ClinVar aggregate classification (germline): Uncertain significance. Review status: criteria provided, multiple submitters, no conflicts (2 of 4 stars). 2 submissions from 2 submitters: Uncertain significance (2). Last evaluated 2023-12-05.

Conditions:
Hereditary cancer-predisposing syndrome. Also called: Neoplastic Syndromes, Hereditary; Tumor predisposition; Hereditary Cancer Syndrome; Hereditary neoplastic syndrome. Identifiers: Orphanet 140162, MedGen C0027672, MeSH D009386, MONDO:0015356.

Submissions (2):

Color Diagnostics, LLC DBA Color Health
Classification: Uncertain significance for Hereditary cancer-predisposing syndrome. Last evaluated: 2023-12-05. Review status: criteria provided, single submitter. Criteria: ACMG Guidelines, 2015. Collection method: clinical testing. Allele origin: germline.
Comment: This missense variant replaces threonine with proline at codon 305 of the MSH6 protein. Computational prediction tools and conservation analyses suggest that this variant may not impact the protein function. Computational splicing tools suggest that this variant may not impact RNA splicing. To our knowledge, functional assays have not been performed for this variant nor has this variant been reported in individuals affected with hereditary cancer in the literature. This variant has not been identified in the general population by the Genome Aggregation Database (gnomAD). Available evidence is insufficient to determine the role of this variant in disease conclusively. Therefore, this variant is classified as a Variant of Uncertain Significance.

Ambry Genetics
Classification: Uncertain significance for Hereditary cancer-predisposing syndrome. Last evaluated: 2022-11-26. Review status: criteria provided, single submitter. Criteria: Ambry Variant Classification Scheme 2023. Collection method: clinical testing. Allele origin: germline.
Comment: The p.T305P variant (also known as c.913A>C), located in coding exon 4 of the MSH6 gene, results from an A to C substitution at nucleotide position 913. The threonine at codon 305 is replaced by proline, an amino acid with highly similar properties. This amino acid position is conserved. In addition, this alteration is predicted to be tolerated by in silico analysis. Since supporting evidence is limited at this time, the clinical significance of this alteration remains unclear.